The following is an entry in ClinVar:

NM_000444.6(PHEX):c.489A>G (p.Ser163=)

Gene: PHEX (phosphate regulating endopeptidase X-linked; plus strand). Cytogenetic location: Xp22.11.
Variant type: single nucleotide variant.
Coding change: c.489A>G on transcript NM_000444.6 (MANE Select); coding-DNA position 489, A replaced by G.
Protein change: p.Ser163=; no amino-acid change (serine 163 retained).
Molecular consequence: synonymous variant.
Genome position (GRCh38, 1-based): chrX:22,077,528, A>G. VCF-style: chrX-22077528-A-G. GRCh37 (hg19) VCF-style: chrX-22095646-A-G.
Other names: c.489A>G, p.Ser163= (NM_001282754.2).
Identifiers: ClinVar variation 368161 (VCV000368161.17), dbSNP rs140231382, ClinGen allele CA10368049.

ClinVar aggregate classification (germline): Benign/Likely benign. Review status: criteria provided, multiple submitters, no conflicts (2 of 4 stars). 5 submissions from 5 submitters: Benign (4); Likely benign (1). Last evaluated 2026-01-26.

Conditions:
Familial X-linked hypophosphatemic vitamin D refractory rickets (XLHRD). Also called: X-Linked Hypophosphatemia; HYPOPHOSPHATEMIC VITAMIN D-RESISTANT RICKETS; Hypophosphatemic Rickets, X-Linked Dominant; Hypophosphatemia, vitamin D-resistant rickets; Vitamin D-resistant rickets, X-linked. Identifiers: Orphanet 89936, MedGen C0733682, MONDO:0010619, OMIM 307800.

Allele frequency attached by ClinVar (database versions not stated): gnomAD exomes 0.00064 and 0.00198; ExAC 0.00242; 1000 Genomes Project 0.00556; 1000 Genomes Project 30x 0.00624; gnomAD 0.00687 and 0.00748; TOPMed 0.00796; ESP Exome Variant Server 0.00843.
gnomAD v4.1: 1,523 of 1,210,170 alleles (0.13%); highest among the groups gnomAD compares: African/African-American, 2.3%; 8 homozygotes.

Submissions (5):

Labcorp Genetics (formerly Invitae), Labcorp
Classification: Benign. Last evaluated: 2026-01-26. Review status: criteria provided, single submitter. Criteria: Invitae Variant Classification Sherloc (09022015). Collection method: clinical testing. Allele origin: germline.

Fulgent Genetics
Classification: Likely benign for Familial X-linked hypophosphatemic vitamin D refractory rickets. Last evaluated: 2021-07-21. Review status: criteria provided, single submitter. Criteria: ACMG Guidelines, 2015. Collection method: clinical testing. Allele origin: unknown.

Illumina Laboratory Services, Illumina
Classification: Benign for Familial X-linked hypophosphatemic vitamin D refractory rickets. Last evaluated: 2018-01-13. Review status: criteria provided, single submitter. Criteria: ICSL Variant Classification Criteria 13 December 2019. Collection method: clinical testing. Allele origin: germline.
Comment: This variant was observed in the ICSL laboratory as part of a predisposition screen in an ostensibly healthy population. It had not been previously curated by ICSL or reported in the Human Gene Mutation Database (HGMD: prior to June 1st, 2018), and was therefore a candidate for classification through an automated scoring system. Utilizing variant allele frequency, disease prevalence and penetrance estimates, and inheritance mode, an automated score was calculated to assess if this variant is too frequent to cause the disease. Based on the score and internal cut-off values, a variant classified as benign is not then subjected to further curation. The score for this variant resulted in a classification of benign for this disease.

GeneDx
Classification: Benign. Last evaluated: 2016-12-12. Review status: criteria provided, single submitter. Criteria: GeneDx Variant Classification (06012015). Collection method: clinical testing. Allele origin: germline. Affected: yes.
Comment: This variant is considered likely benign or benign based on one or more of the following criteria: it is a conservative change, it occurs at a poorly conserved position in the protein, it is predicted to be benign by multiple in silico algorithms, and/or has population frequency not consistent with disease.

Breakthrough Genomics
Classification: Benign. Review status: criteria provided, single submitter. Criteria: ACMG Guidelines, 2015. Collection method: not provided. Allele origin: germline. Inheritance: X-linked inheritance. Affected: yes.